The following is an entry in ClinVar:

NM_001161352.2(KCNMA1):c.112G>T (p.Ala38Ser)

Gene: KCNMA1 (potassium calcium-activated channel subfamily M alpha 1; minus strand). Cytogenetic location: 10q22.3.
Variant type: single nucleotide variant.
Coding change: c.112G>T on transcript NM_001161352.2 (MANE Select); coding-DNA position 112, G replaced by T.
Protein change: p.Ala38Ser; replaces alanine 38 with serine.
Molecular consequence: missense variant.
Genome position (GRCh38, 1-based): chr10:77,637,531, C>A on the plus strand (G>T on the coding strand, the complement: KCNMA1 is on the minus strand). VCF-style: chr10-77637531-C-A. GRCh37 (hg19) VCF-style: chr10-79397289-C-A.
Other names: c.112G>T, p.Ala38Ser (NM_001014797.3, NM_001161353.2, NM_001271518.2 and 13 more transcripts); short protein forms A38S.
Identifiers: ClinVar variation 2580752 (VCV002580752.4), dbSNP rs767099267, ClinGen allele CA377412737.
Genomic context (GRCh38, chr10:77,637,531, plus strand): 5'-AGGAGGAAGAGGAGGAGGAAGAAGAAGAAGAGGAAGAGGAGGAGGAGGAGGAGGAGGACG[C>A]GTCTAGGCTGAGATGGTTCGCGTGGATATTGCTACTCATTCTAAGACTGCTGCCTCCGCC-3'
Protein context (NP_001154824.1, residues 28-48): NIHANHLSLD[Ala38Ser]SSSSSSSSSS

ClinVar aggregate classification (germline): Uncertain significance. Review status: criteria provided, multiple submitters, no conflicts (2 of 4 stars). 2 submissions from 2 submitters: Uncertain significance (2). Last evaluated 2025-12-13.

Conditions:
Generalized epilepsy-paroxysmal dyskinesia syndrome (PNKD3). Also called: Generalized epilepsy and paroxysmal dyskinesia; Paroxysmal nonkinesigenic dyskinesia, 3, with or without generalized epilepsy. Identifiers: Orphanet 79137, MedGen C5574945, MONDO:0012276, OMIM 609446.

Allele frequency attached by ClinVar (database versions not stated): TOPMed below 0.00001; gnomAD 0.00001.
gnomAD v4.1: 4 of 1,544,214 alleles (0.00026%); highest among the groups gnomAD compares: Admixed American, 0.0038%; no homozygotes.

Submissions (2):

Labcorp Genetics (formerly Invitae), Labcorp
Classification: Uncertain significance for Generalized epilepsy-paroxysmal dyskinesia syndrome. Last evaluated: 2025-12-13. Review status: criteria provided, single submitter. Criteria: Invitae Variant Classification Sherloc (09022015). Collection method: clinical testing. Allele origin: germline.
Comment: This sequence change replaces alanine, which is neutral and non-polar, with serine, which is neutral and polar, at codon 38 of the KCNMA1 protein (p.Ala38Ser). The frequency data for this variant in the population databases is considered unreliable, as metrics indicate poor data quality at this position in the gnomAD database. This variant has not been reported in the literature in individuals affected with KCNMA1-related conditions. ClinVar contains an entry for this variant (Variation ID: 2580752). An algorithm developed to predict the effect of missense changes on protein structure and function (PolyPhen-2) suggests that this variant is likely to be disruptive. In summary, the available evidence is currently insufficient to determine the role of this variant in disease. Therefore, it has been classified as a Variant of Uncertain Significance.

GeneDx
Classification: Uncertain significance. Last evaluated: 2023-03-23. Review status: criteria provided, single submitter. Criteria: GeneDx Variant Classification Process June 2021. Collection method: clinical testing. Allele origin: germline. Affected: yes.
Comment: In silico analysis supports that this missense variant does not alter protein structure/function; Has not been previously published as pathogenic or benign to our knowledge